The following is an entry in ClinVar:

NM_004369.4(COL6A3):c.2189A>G (p.His730Arg)

Gene: COL6A3 (collagen type VI alpha 3 chain; minus strand). Cytogenetic location: 2q37.3.
Variant type: single nucleotide variant.
Coding change: c.2189A>G on transcript NM_004369.4 (MANE Select); coding-DNA position 2189, A replaced by G.
Protein change: p.His730Arg; replaces histidine 730 with arginine.
Molecular consequence: missense variant. On other transcripts: intron variant (1).
Genome position (GRCh38, 1-based): chr2:237,378,944, T>C on the plus strand (A>G on the coding strand, the complement: COL6A3 is on the minus strand). VCF-style: chr2-237378944-T-C. GRCh37 (hg19) VCF-style: chr2-238287587-T-C.
Other names: c.968A>G, p.His323Arg (NM_057164.5); c.1571A>G, p.His524Arg (NM_057165.5, NM_057167.4); c.677-1600A>G (NM_057166.5); short protein forms H730R, H323R, H524R.
Identifiers: ClinVar variation 335135 (VCV000335135.13), dbSNP rs760976593, ClinGen allele CA2189460.

ClinVar aggregate classification (germline): Conflicting classifications of pathogenicity. Review status: criteria provided, conflicting classifications (1 of 4 stars). 4 submissions from 4 submitters: Uncertain significance (2); Likely benign (2). Last evaluated 2025-08-11.

Conditions:
Inborn genetic diseases. Identifiers: MedGen C0950123, MeSH D030342.
Collagen 6-related myopathy. Identifiers: MedGen CN117976, MONDO:0100225.
Bethlem myopathy 1A. Also called: MYOPATHY, BENIGN CONGENITAL, WITH CONTRACTURES; Bethlem myopathy 1; Bethlem Muscular Dystrophy. Identifiers: Orphanet 610, MedGen CN029274, MONDO:0024530, OMIM 158810.

Allele frequency attached by ClinVar (database versions not stated): gnomAD exomes 0.00001 and 0.00002; ExAC 0.00002; gnomAD 0.00002; TOPMed 0.00003.
gnomAD v4.1: 20 of 1,614,042 alleles (0.0012%); highest among the groups gnomAD compares: Admixed American, 0.0017%; no homozygotes.

Submissions (4):

Labcorp Genetics (formerly Invitae), Labcorp
Classification: Likely benign for Bethlem myopathy 1A. Last evaluated: 2025-08-11. Review status: criteria provided, single submitter. Criteria: Invitae Variant Classification Sherloc (09022015). Collection method: clinical testing. Allele origin: germline.

Ambry Genetics
Classification: Uncertain significance for Inborn genetic diseases. Last evaluated: 2023-03-02. Review status: criteria provided, single submitter. Criteria: Ambry Variant Classification Scheme 2023. Collection method: clinical testing. Allele origin: germline.

Revvity Omics, Revvity
Classification: Uncertain significance. Last evaluated: 2019-05-08. Review status: criteria provided, single submitter. Criteria: ACMG Guidelines, 2015. Collection method: clinical testing. Allele origin: germline.

Illumina Laboratory Services, Illumina
Classification: Likely benign for Collagen VI-related myopathy. Last evaluated: 2018-01-12. Review status: criteria provided, single submitter. Criteria: ICSL Variant Classification Criteria 13 December 2019. Collection method: clinical testing. Allele origin: germline.
Comment: This variant was observed in the ICSL laboratory as part of a predisposition screen in an ostensibly healthy population. It had not been previously curated by ICSL or reported in the Human Gene Mutation Database (HGMD: prior to June 1st, 2018), and was therefore a candidate for classification through an automated scoring system. Utilizing variant allele frequency, disease prevalence and penetrance estimates, and inheritance mode, an automated score was calculated to assess if this variant is too frequent to cause the disease. Based on the score and internal cut-off values, a variant classified as likely benign is not then subjected to further curation. The score for this variant resulted in a classification of likely benign for this disease.